The following is an entry in ClinVar:

NM_020297.4(ABCC9):c.3056_3059delinsT (p.Thr1019_Ser1020delinsMet)

Gene: ABCC9 (ATP binding cassette subfamily C member 9; minus strand). Cytogenetic location: 12p12.1.
Variant type: Indel.
Coding change: c.3056_3059delinsT on transcript NM_020297.4 (MANE Select); coding-DNA positions 3056 to 3059, CATC replaced by T.
Protein change: p.Thr1019_Ser1020delinsMet.
Molecular consequence: inframe indel.
Genome position (GRCh38, 1-based): chr12:21,845,640-21,845,643, GATG replaced by A on the plus strand (CATC replaced by T on the coding strand, the reverse complement: ABCC9 is on the minus strand). VCF-style: chr12-21845640-GATG-A. GRCh37 (hg19) VCF-style: chr12-21998574-GATG-A.
Other names: c.3056_3059delinsT, p.Thr1019_Ser1020delinsMet (NM_001377273.1, NM_005691.4); c.2189_2192delinsT, p.Thr730_Ser731delinsMet (NM_001377274.1).
Identifiers: ClinVar variation 1799299 (VCV001799299.2), dbSNP rs2541078884, ClinGen allele CA2580085296.

ClinVar aggregate classification (germline): Uncertain significance (1 of 4 stars; one submission).

Conditions:
Cardiovascular phenotype. Identifiers: MedGen CN230736.

Submission:

Ambry Genetics
Classification: Uncertain significance for Cardiovascular phenotype. Last evaluated: 2022-10-17. Review status: criteria provided, single submitter. Criteria: Ambry Variant Classification Scheme 2023. Collection method: clinical testing. Allele origin: germline.
Comment: The c.3056_3059delCATCinsT variant (also known as p.T1019_S1020delinsM), located in coding exon 24 of the ABCC9 gene, results from an in-frame deletion of CATC and insertion of T at nucleotide positions 3056 to 3059. This results in the substitution of threonine and serine residues for a methionine residue at codon 1019. This amino acid region is highly conserved in available vertebrate species. In addition, the in silico prediction for this alteration is inconclusive (Choi Y et al. PLoS ONE. 2012; 7(10):e46688). Since supporting evidence is limited at this time, the clinical significance of this alteration remains unclear.